The following is an entry in ClinVar:

NM_206933.4(USH2A):c.7698T>A (p.Tyr2566Ter)

Gene: USH2A (usherin; minus strand). Cytogenetic location: 1q41.
Variant type: single nucleotide variant.
Coding change: c.7698T>A on transcript NM_206933.4 (MANE Select); coding-DNA position 7698, T replaced by A.
Protein change: p.Tyr2566Ter; replaces tyrosine 2566 with a stop codon.
Molecular consequence: nonsense.
Genome position (GRCh38, 1-based): chr1:215,888,951, A>T on the plus strand (T>A on the coding strand, the complement: USH2A is on the minus strand). VCF-style: chr1-215888951-A-T. GRCh37 (hg19) VCF-style: chr1-216062293-A-T.
Other names: short protein forms Y2566*.
Identifiers: ClinVar variation 4817152 (VCV004817152.1).

ClinVar aggregate classification (germline): Pathogenic (1 of 4 stars; one submission).

Conditions:
Usher syndrome type 2A. Also called: RETINAL DISEASE IN USHER SYNDROME TYPE IIA, MODIFIER OF; USHER SYNDROME, TYPE IIA. Identifiers: Orphanet 231178, Orphanet 886, MedGen C1848634, MONDO:0010169, OMIM 276901.

Submission:

Natera, Inc.
Classification: Pathogenic for Usher syndrome type 2A. Last evaluated: 2024-03-04. Review status: criteria provided, single submitter. Criteria: Natera Variant Classification Schema (03/2026). Collection method: clinical testing. Allele origin: germline.
Comment: The c.7698T>A variant in USH2A is a nonsense variant predicted to introduce a stop codon at amino acid 2566. This variant is expected to result in nonsense mediated decay, truncation, or a dysfunctional protein product. This variant is rare in the general population with a frequency below the threshold expected for the associated phenotype(s). This variant has been observed in one or more individuals affected with the associated recessive disease, as either homozygous or compound heterozygous with a second variant (PMID: 31904091, 32675063). Given the available evidence, this variant is classified as Pathogenic.

Literature cited by the submitters: PubMed 31904091; PubMed 32675063.